The following is an entry in ClinVar:

NM_001159699.2(FHL1):c.809A>G (p.Lys270Arg)

Gene: FHL1 (four and a half LIM domains 1; plus strand). Cytogenetic location: Xq26.3.
Variant type: single nucleotide variant.
Coding change: c.809A>G on transcript NM_001159699.2 (MANE Select); coding-DNA position 809, A replaced by G.
Protein change: p.Lys270Arg; replaces lysine 270 with arginine.
Molecular consequence: missense variant. On other transcripts: non-coding transcript variant (1).
Genome position (GRCh38, 1-based): chrX:136,209,943, A>G. VCF-style: chrX-136209943-A-G. GRCh37 (hg19) VCF-style: chrX-135292102-A-G.
Other names: c.761A>G, p.Lys254Arg (NM_001159700.2, NM_001159704.1, NM_001167819.1 and 4 more transcripts); c.848A>G, p.Lys283Arg (NM_001159701.2); c.961A>G, p.Asn321Asp (NM_001159702.3, NM_001369326.1, NM_001369327.2 and 1 more transcripts); c.574A>G, p.Asn192Asp (NM_001159703.2); c.622A>G, p.Asn208Asp (NM_001330659.2); short protein forms K254R, N321D, K270R, K283R, N192D, N208D.
Identifiers: ClinVar variation 469631 (VCV000469631.14), dbSNP rs768705041, ClinGen allele CA10525125.

ClinVar aggregate classification (germline): Conflicting classifications of pathogenicity. Review status: criteria provided, conflicting classifications (1 of 4 stars). 2 submissions from 2 submitters: Uncertain significance (1); Likely benign (1). Last evaluated 2025-04-11.

Conditions:
Cardiovascular phenotype. Identifiers: MedGen CN230736.
X-linked myopathy with postural muscle atrophy. Also called: FHL1-Related Emery-Dreifuss Muscular Dystrophy, X-Linked. Identifiers: Orphanet 178461, MedGen C2678055, MONDO:0010401, OMIM 300696.

Allele frequency attached by ClinVar (database versions not stated): gnomAD 0.00002 and 0.00003; gnomAD exomes 0.00002 and 0.00010; TOPMed 0.00003; ExAC 0.00011; 1000 Genomes Project 30x 0.00021; 1000 Genomes Project 0.00026.

Submissions (2):

Labcorp Genetics (formerly Invitae), Labcorp
Classification: Likely benign for X-linked myopathy with postural muscle atrophy. Last evaluated: 2025-04-11. Review status: criteria provided, single submitter. Criteria: Invitae Variant Classification Sherloc (09022015). Collection method: clinical testing. Allele origin: germline.

Ambry Genetics
Classification: Uncertain significance for Cardiovascular phenotype. Last evaluated: 2025-03-09. Review status: criteria provided, single submitter. Criteria: Ambry Variant Classification Scheme 2023. Collection method: clinical testing. Allele origin: germline.
Comment: The p.K254R variant (also known as c.761A>G), located in coding exon 5 of the FHL1 gene, results from an A to G substitution at nucleotide position 761. The lysine at codon 254 is replaced by arginine, an amino acid with highly similar properties. This amino acid position is conserved. In addition, the in silico prediction for this alteration is inconclusive. Since supporting evidence is limited at this time, the clinical significance of this alteration remains unclear.